The following is an entry in ClinVar:

NM_006767.4(LZTR1):c.317G>C (p.Cys106Ser)

Gene: LZTR1 (leucine zipper like post translational regulator 1; plus strand). Cytogenetic location: 22q11.21.
Variant type: single nucleotide variant.
Coding change: c.317G>C on transcript NM_006767.4 (MANE Select); coding-DNA position 317, G replaced by C.
Protein change: p.Cys106Ser; replaces cysteine 106 with serine.
Molecular consequence: missense variant.
Genome position (GRCh38, 1-based): chr22:20,985,894, G>C. VCF-style: chr22-20985894-G-C. GRCh37 (hg19) VCF-style: chr22-21340183-G-C.
Other names: short protein forms C106S.
Identifiers: ClinVar variation 2322592 (VCV002322592.4), dbSNP rs2518610685, ClinGen allele CA410778906.

ClinVar aggregate classification (germline): Uncertain significance. Review status: criteria provided, multiple submitters, no conflicts (2 of 4 stars). 2 submissions from 2 submitters: Uncertain significance (2). Last evaluated 2024-06-21.

Conditions:
Hereditary cancer-predisposing syndrome. Also called: Hereditary Cancer Syndrome; Hereditary neoplastic syndrome; Neoplastic Syndromes, Hereditary; Tumor predisposition. Identifiers: Orphanet 140162, MedGen C0027672, MeSH D009386, MONDO:0015356.
Cardiovascular phenotype. Identifiers: MedGen CN230736.

Submissions (2):

Labcorp Genetics (formerly Invitae), Labcorp
Classification: Uncertain significance. Last evaluated: 2024-06-21. Review status: criteria provided, single submitter. Criteria: Invitae Variant Classification Sherloc (09022015). Collection method: clinical testing. Allele origin: germline.
Comment: This sequence change replaces cysteine, which is neutral and slightly polar, with serine, which is neutral and polar, at codon 106 of the LZTR1 protein (p.Cys106Ser). This variant is not present in population databases (gnomAD no frequency). This variant has not been reported in the literature in individuals affected with LZTR1-related conditions. ClinVar contains an entry for this variant (Variation ID: 2322592). Advanced modeling of protein sequence and biophysical properties (such as structural, functional, and spatial information, amino acid conservation, physicochemical variation, residue mobility, and thermodynamic stability) performed at Invitae indicates that this missense variant is not expected to disrupt LZTR1 protein function with a negative predictive value of 80%. In summary, the available evidence is currently insufficient to determine the role of this variant in disease. Therefore, it has been classified as a Variant of Uncertain Significance.

Ambry Genetics
Classification: Uncertain significance for Cardiovascular phenotype; Hereditary cancer-predisposing syndrome. Last evaluated: 2022-11-07. Review status: criteria provided, single submitter. Criteria: Ambry Variant Classification Scheme 2023. Collection method: clinical testing. Allele origin: germline.